The following is an entry in ClinVar:

NM_020207.7(ERCC6L2):c.1505C>A (p.Ser502Tyr)

Gene: ERCC6L2 (ERCC excision repair 6 like 2; plus strand). Cytogenetic location: 9q22.32.
Variant type: single nucleotide variant.
Coding change: c.1505C>A on transcript NM_020207.7 (MANE Select); coding-DNA position 1505, C replaced by A.
Protein change: p.Ser502Tyr; replaces serine 502 with tyrosine.
Molecular consequence: missense variant. On other transcripts: non-coding transcript variant (1).
Genome position (GRCh38, 1-based): chr9:95,923,351, C>A. VCF-style: chr9-95923351-C-A. GRCh37 (hg19) VCF-style: chr9-98685633-C-A.
Other names: c.1505C>A, p.Ser502Tyr (NM_001010895.4, NM_001375291.1, NM_001375292.1 and 2 more transcripts); short protein forms S502Y.
Identifiers: ClinVar variation 4019304 (VCV004019304.1).

ClinVar aggregate classification (germline): Uncertain significance (1 of 4 stars; one submission).

Conditions:
Inborn genetic diseases. Identifiers: MedGen C0950123, MeSH D030342.

Submission:

Ambry Genetics
Classification: Uncertain significance for Inborn genetic diseases. Last evaluated: 2025-04-11. Review status: criteria provided, single submitter. Criteria: Ambry Variant Classification Scheme 2023. Collection method: clinical testing. Allele origin: germline.
Comment: The p.S502Y variant (also known as c.1505C>A), located in coding exon 9 of the ERCC6L2 gene, results from a C to A substitution at nucleotide position 1505. The serine at codon 502 is replaced by tyrosine, an amino acid with dissimilar properties. This amino acid position is conserved. In addition, this alteration is predicted to be deleterious by in silico analysis. Based on the available evidence, the clinical significance of this variant remains unclear.